The following is an entry in ClinVar:

ClinVar aggregate classification (germline): Uncertain significance. Review status: criteria provided, multiple submitters, no conflicts (2 of 4 stars). 2 submissions from 2 submitters: Uncertain significance (2). Last evaluated 2025-12-16.

Conditions:
Inborn genetic diseases. Identifiers: MedGen C0950123, MeSH D030342.
Regional enteritis. Also called: Enteritis, Granulomatous. Identifiers: MedGen C0678202, MeSH D003424.
Blau syndrome (BLAUS). Also called: GRANULOMATOSIS, FAMILIAL JUVENILE SYSTEMIC; GRANULOMATOSIS, FAMILIAL, BLAU TYPE; GRANULOMATOUS INFLAMMATORY ARTHRITIS, DERMATITIS, AND UVEITIS, FAMILIAL; JABS SYNDROME; ARTHROCUTANEOUVEAL GRANULOMATOSIS. Identifiers: Orphanet 90340, MedGen C5201146, MONDO:0008523, OMIM 186580.

gnomAD v4.1: 3 of 1,613,814 alleles (0.00019%); highest among the groups gnomAD compares: South Asian, 0.0033%; no homozygotes.

Submissions (2):

Ambry Genetics
Classification: Uncertain significance for Inborn genetic diseases. Last evaluated: 2025-12-16. Review status: criteria provided, single submitter. Criteria: Ambry Variant Classification Scheme 2023. Collection method: clinical testing. Allele origin: germline.

Labcorp Genetics (formerly Invitae), Labcorp
Classification: Uncertain significance for Regional enteritis; Blau syndrome. Last evaluated: 2023-12-23. Review status: criteria provided, single submitter. Criteria: Invitae Variant Classification Sherloc (09022015). Collection method: clinical testing. Allele origin: germline.
Comment: This sequence change replaces glycine, which is neutral and non-polar, with serine, which is neutral and polar, at codon 940 of the NOD2 protein (p.Gly940Ser). This variant is not present in population databases (gnomAD no frequency). This variant has not been reported in the literature in individuals affected with NOD2-related conditions. Advanced modeling of protein sequence and biophysical properties (such as structural, functional, and spatial information, amino acid conservation, physicochemical variation, residue mobility, and thermodynamic stability) performed at Invitae indicates that this missense variant is not expected to disrupt NOD2 protein function with a negative predictive value of 95%. In summary, the available evidence is currently insufficient to determine the role of this variant in disease. Therefore, it has been classified as a Variant of Uncertain Significance.

NM_001370466.1(NOD2):c.2737G>A (p.Gly913Ser)

Gene: NOD2 (nucleotide binding oligomerization domain containing 2; plus strand). Cytogenetic location: 16q12.1.
Variant type: single nucleotide variant.
Coding change: c.2737G>A on transcript NM_001370466.1 (MANE Select); coding-DNA position 2737, G replaced by A.
Protein change: p.Gly913Ser; replaces glycine 913 with serine.
Molecular consequence: missense variant. On other transcripts: non-coding transcript variant (1).
Genome position (GRCh38, 1-based): chr16:50,723,320, G>A. VCF-style: chr16-50723320-G-A. GRCh37 (hg19) VCF-style: chr16-50757231-G-A.
Other names: c.2737G>A, p.Gly913Ser (NM_001293557.2); c.2818G>A, p.Gly940Ser (NM_022162.3); short protein forms G940S, G913S.
Identifiers: ClinVar variation 2932773 (VCV002932773.4), dbSNP rs2506511642, ClinGen allele CA395875623.